The following is an entry in ClinVar:

ClinVar aggregate classification (germline): Uncertain significance. Review status: criteria provided, multiple submitters, no conflicts (2 of 4 stars). 2 submissions from 2 submitters: Uncertain significance (2). Last evaluated 2024-10-21.

Conditions:
Inborn genetic diseases. Identifiers: MedGen C0950123, MeSH D030342.
Mucopolysaccharidosis type 1. Also called: IDUA deficiency; MPS I. Identifiers: Orphanet 579, MedGen C0023786, MONDO:0001586.

Submissions (2):

Labcorp Genetics (formerly Invitae), Labcorp
Classification: Uncertain significance for Mucopolysaccharidosis type 1. Last evaluated: 2024-10-21. Review status: criteria provided, single submitter. Criteria: Invitae Variant Classification Sherloc (09022015). Collection method: clinical testing. Allele origin: germline.
Comment: This sequence change replaces proline, which is neutral and non-polar, with alanine, which is neutral and non-polar, at codon 464 of the IDUA protein (p.Pro464Ala). This variant is not present in population databases (gnomAD no frequency). This variant has not been reported in the literature in individuals affected with IDUA-related conditions. ClinVar contains an entry for this variant (Variation ID: 1442806). Invitae Evidence Modeling of protein sequence and biophysical properties (such as structural, functional, and spatial information, amino acid conservation, physicochemical variation, residue mobility, and thermodynamic stability) has been performed for this missense variant. However, the output from this modeling did not meet the statistical confidence thresholds required to predict the impact of this variant on IDUA protein function. In summary, the available evidence is currently insufficient to determine the role of this variant in disease. Therefore, it has been classified as a Variant of Uncertain Significance.

Ambry Genetics
Classification: Uncertain significance for Inborn genetic diseases. Last evaluated: 2024-09-26. Review status: criteria provided, single submitter. Criteria: Ambry Variant Classification Scheme 2023. Collection method: clinical testing. Allele origin: germline.

NM_000203.5(IDUA):c.1390C>G (p.Pro464Ala)

Gene: IDUA (alpha-L-iduronidase; plus strand). Cytogenetic location: 4p16.3.
Variant type: single nucleotide variant.
Coding change: c.1390C>G on transcript NM_000203.5 (MANE Select); coding-DNA position 1390, C replaced by G.
Protein change: p.Pro464Ala; replaces proline 464 with alanine.
Molecular consequence: missense variant. On other transcripts: non-coding transcript variant (1).
Genome position (GRCh38, 1-based): chr4:1,002,932, C>G. VCF-style: chr4-1002932-C-G. GRCh37 (hg19) VCF-style: chr4-996720-C-G.
Other names: c.994C>G, p.Pro332Ala (NM_001363576.1); c.1390C>G (NM_000203.3); short protein forms P464A, P332A.
Identifiers: ClinVar variation 1442806 (VCV001442806.5), dbSNP rs888528622, ClinGen allele CA91170100.
Genomic context (GRCh38, chr4:1,002,932, plus strand): 5'-GACGACACCCGCGCCCACCCCAACCGCAGCGTCGCGGTGACCCTGCGGCTGCGCGGGGTG[C>G]CCCCCGGCCCGGGTAAGCCGGGGTTCCAGGGAGGTCTCTGGCCCCGCTGGGGCTCTGGAG-3'
Protein context (NP_000194.2, residues 454-474): VAVTLRLRGV[Pro464Ala]PGPGLVYVTR